The following is an entry in ClinVar:

NM_001375524.1(TRRAP):c.8887A>G (p.Thr2963Ala)

Gene: TRRAP (transformation/transcription domain associated protein; plus strand). Cytogenetic location: 7q22.1.
Variant type: single nucleotide variant.
Coding change: c.8887A>G on transcript NM_001375524.1 (MANE Select); coding-DNA position 8887, A replaced by G.
Protein change: p.Thr2963Ala; replaces threonine 2963 with alanine.
Molecular consequence: missense variant.
Genome position (GRCh38, 1-based): chr7:98,983,324, A>G. VCF-style: chr7-98983324-A-G. GRCh37 (hg19) VCF-style: chr7-98580947-A-G.
Other names: c.8866A>G, p.Thr2956Ala (NM_001244580.2); c.8812A>G, p.Thr2938Ala (NM_003496.4); c.8812A>G (NM_003496.3); short protein forms T2938A, T2956A, T2963A.
Identifiers: ClinVar variation 2223286 (VCV002223286.6), dbSNP rs556419070, ClinGen allele CA4361578.
Genomic context (GRCh38, chr7:98,983,324, plus strand): 5'-GCAGCCCAGCAAATCATCGAACTCCAGGAAGCTGCACAAATCAACGCAGGCTTACAGCCA[A>G]CCAACCTGGGAAGGAACAACAGCCTGCACGACATGAAGACGGTGGTGAAGACCTGGAGGA-3'
Protein context (NP_001362453.1, residues 2953-2973): AAQINAGLQP[Thr2963Ala]NLGRNNSLHD

ClinVar aggregate classification (germline): Benign/Likely benign. Review status: criteria provided, multiple submitters, no conflicts (2 of 4 stars). 3 submissions from 3 submitters: Benign (1); Likely benign (2). Last evaluated 2024-12-30.

Conditions:
Inborn genetic diseases. Identifiers: MedGen C0950123, MeSH D030342.
TRRAP-related disorder. Also called: TRRAP-related condition.

Allele frequency attached by ClinVar (database versions not stated): TOPMed 0.00002; ExAC 0.00004.
gnomAD v4.1: 29 of 1,614,094 alleles (0.0018%); highest among the groups gnomAD compares: African/African-American, 0.0027%; no homozygotes.

Submissions (3):

PreventionGenetics, part of Exact Sciences
Classification: Likely benign for TRRAP-related condition. Last evaluated: 2024-12-30. Review status: criteria provided, single submitter. Criteria: ACMG Guidelines, 2015. Collection method: clinical testing. Allele origin: germline.
Comment: This variant is classified as likely benign based on ACMG/AMP sequence variant interpretation guidelines (Richards et al. 2015 PMID: 25741868, with internal and published modifications).

Labcorp Genetics (formerly Invitae), Labcorp
Classification: Benign. Last evaluated: 2023-08-10. Review status: criteria provided, single submitter. Criteria: Invitae Variant Classification Sherloc (09022015). Collection method: clinical testing. Allele origin: germline.

Ambry Genetics
Classification: Likely benign for Inborn genetic diseases. Last evaluated: 2022-10-05. Review status: criteria provided, single submitter. Criteria: Ambry Variant Classification Scheme 2023. Collection method: clinical testing. Allele origin: germline.